The following is an entry in ClinVar:

NC_000007.13:g.(?_21598400)_(21600808_?)del

Gene: DNAH11 (dynein axonemal heavy chain 11; plus strand). Cytogenetic location: 7p15.3.
Variant type: Deletion.
Identifiers: ClinVar variation 3245630 (VCV003245630.1).

ClinVar aggregate classification (germline): Pathogenic (1 of 4 stars; one submission).

Conditions:
Primary ciliary dyskinesia. Also called: Ciliary dyskinesia. Identifiers: Orphanet 244, MedGen C0008780, MONDO:0016575, HP:0012265.

Submission:

Labcorp Genetics (formerly Invitae), Labcorp
Classification: Pathogenic for Primary ciliary dyskinesia. Last evaluated: 2023-09-15. Review status: criteria provided, single submitter. Criteria: Invitae Variant Classification Sherloc (09022015). Collection method: clinical testing. Allele origin: unknown.
Comment: For these reasons, this variant has been classified as Pathogenic. This variant has not been reported in the literature in individuals affected with DNAH11-related conditions. This variant is a gross deletion of the genomic region encompassing exon(s) 3-5 of the DNAH11 gene. This deletion is out-of-frame, and is expected to create a premature termination codon and result in an absent or disrupted protein product. Loss-of-function variants in DNAH11 are known to be pathogenic (PMID: 18022865, 20513915, 22184204).

Literature cited by the submitters: PubMed 18022865; PubMed 20513915; PubMed 22184204.